The following is an entry in ClinVar:

ClinVar aggregate classification (germline): Pathogenic. Review status: criteria provided, multiple submitters, no conflicts (2 of 4 stars). 4 submissions from 4 submitters: Pathogenic (4). Last evaluated 2026-08-04.

Conditions:
Houge-Janssens syndrome 2. Also called: PPP2R1A-Related Neurodevelopmental Disorder; Microcephaly-corpus callosum hypoplasia-intellectual disability-facial dysmorphism syndrome; INTELLECTUAL DEVELOPMENTAL DISORDER, AUTOSOMAL DOMINANT 36. Identifiers: Orphanet 457284, MedGen C4225352, MONDO:0014605, OMIM 616362.
Multiple congenital anomalies/dysmorphic syndrome-intellectual disability. Identifiers: Orphanet 102283, MedGen C5680372, MONDO:0015159.

Submissions (4):

GeneDx
Classification: Pathogenic. Last evaluated: 2026-08-04. Review status: criteria provided, single submitter. Criteria: GeneDx Variant Classification Process June 2021. Collection method: clinical testing. Allele origin: germline.
Comment: Not observed at significant frequency in large population cohorts (gnomAD); In silico analysis supports that this missense variant has a deleterious effect on protein structure/function; This variant is associated with the following publications: (PMID: 33106617, 33057194, 35982159, 36672867, 34241636, 34228795, 36209351, 37761890, 40182320)

Labcorp Genetics (formerly Invitae), Labcorp
Classification: Pathogenic. Last evaluated: 2024-04-10. Review status: criteria provided, single submitter. Criteria: Invitae Variant Classification Sherloc (09022015). Collection method: clinical testing. Allele origin: germline.
Comment: This sequence change replaces methionine, which is neutral and non-polar, with valine, which is neutral and non-polar, at codon 180 of the PPP2R1A protein (p.Met180Val). This variant is not present in population databases (gnomAD no frequency). This missense change has been observed in individual(s) with clinical features of intellectual disability syndrome (PMID: 33106617; Invitae). In at least one individual the variant was observed to be de novo. ClinVar contains an entry for this variant (Variation ID: 1204633). Advanced modeling of protein sequence and biophysical properties (such as structural, functional, and spatial information, amino acid conservation, physicochemical variation, residue mobility, and thermodynamic stability) performed at Invitae indicates that this missense variant is expected to disrupt PPP2R1A protein function with a positive predictive value of 80%. Experimental studies have shown that this missense change affects PPP2R1A function (PMID: 33106617). This variant disrupts the p.Met180 amino acid residue in PPP2R1A. Other variant(s) that disrupt this residue have been determined to be pathogenic (PMID: 33106617). This suggests that this residue is clinically significant, and that variants that disrupt this residue are likely to be disease-causing. For these reasons, this variant has been classified as Pathogenic.

Center for Molecular Medicine, Children’s Hospital of Fudan University
Classification: Pathogenic for Houge-Janssens syndrome 2. Last evaluated: 2023-01-18. Review status: criteria provided, single submitter. Criteria: ACMG Guidelines 2015. Collection method: clinical testing. Allele origin: de novo. Affected: yes.

AURAGEN, Plan France Médecine Génomique
Classification: Pathogenic for Multiple congenital anomalies/dysmorphic syndrome-intellectual disability. Last evaluated: 2021-10-13. Review status: criteria provided, single submitter. Criteria: PFMG2025 (Lancet Reg Health Eur. 2025). Collection method: clinical testing. Allele origin: germline. Affected: yes.

Literature cited by the submitters: PubMed 33106617 (cited by Labcorp Genetics (formerly Invitae), Labcorp).

NM_014225.6(PPP2R1A):c.538A>G (p.Met180Val)

Gene: PPP2R1A (protein phosphatase 2 scaffold subunit Aalpha; plus strand). Cytogenetic location: 19q13.41.
Variant type: single nucleotide variant.
Coding change: c.538A>G on transcript NM_014225.6 (MANE Select); coding-DNA position 538, A replaced by G.
Protein change: p.Met180Val; replaces methionine 180 with valine.
Molecular consequence: missense variant. On other transcripts: initiator codon variant (1), non-coding transcript variant (1).
Genome position (GRCh38, 1-based): chr19:52,212,720, A>G. VCF-style: chr19-52212720-A-G. GRCh37 (hg19) VCF-style: chr19-52715973-A-G.
Other names: c.1A>G, p.Met1Val (NM_001363656.2); short protein forms M180V, M1V.
Identifiers: ClinVar variation 1204633 (VCV001204633.16), dbSNP rs2122334663, ClinGen allele CA407183521.